The following is an entry in ClinVar:

NM_015541.3(LRIG1):c.1616A>G (p.Asn539Ser)

Genes: LRIG1 (leucine rich repeats and immunoglobulin like domains 1; minus strand), LOC129936987 (ATAC-STARR-seq lymphoblastoid active region 20039; plus strand). Cytogenetic location: 3p14.1.
Variant type: single nucleotide variant.
Coding change: c.1616A>G on transcript NM_015541.3 (MANE Select); coding-DNA position 1616, A replaced by G.
Protein change: p.Asn539Ser; replaces asparagine 539 with serine.
Molecular consequence: missense variant.
Genome position (GRCh38, 1-based): chr3:66,386,154, T>C on the plus strand (A>G on the coding strand, the complement: LRIG1 is on the minus strand). VCF-style: chr3-66386154-T-C. GRCh37 (hg19) VCF-style: chr3-66436578-T-C.
Other names: c.1541A>G, p.Asn514Ser (NM_001377344.1); c.836A>G, p.Asn279Ser (NM_001377345.1, NM_001377346.1); c.614A>G, p.Asn205Ser (NM_001377347.1); c.587A>G, p.Asn196Ser (NM_001377348.1); c.332A>G, p.Asn111Ser (NM_001377349.1); short protein forms N111S, N196S, N205S, N279S, N514S, N539S.
Identifiers: ClinVar variation 3257204 (VCV003257204.17).

ClinVar aggregate classification (germline): Likely benign (1 of 4 stars; one submission).

gnomAD v4.1: 48 of 1,614,030 alleles (0.003%); highest among the groups gnomAD compares: Middle Eastern, 0.016%; no homozygotes.

Submission:

CeGaT Center for Human Genetics Tuebingen
Classification: Likely benign. Last evaluated: 2024-07-01. Review status: criteria provided, single submitter. Criteria: CeGaT Center For Human Genetics Tuebingen Variant Classification Criteria Version 2. Collection method: clinical testing. Allele origin: germline. Affected: yes. Observed: 1 variant allele.
Comment: LRIG1: BP4